The following is an entry in ClinVar:

ClinVar aggregate classification (germline): Uncertain significance. Review status: criteria provided, multiple submitters, no conflicts (2 of 4 stars). 2 submissions from 2 submitters: Uncertain significance (2). Last evaluated 2025-05-07.

Conditions:
Hereditary cancer-predisposing syndrome. Also called: Hereditary neoplastic syndrome; Neoplastic Syndromes, Hereditary; Tumor predisposition; Hereditary Cancer Syndrome. Identifiers: Orphanet 140162, MedGen C0027672, MeSH D009386, MONDO:0015356.
Retinoblastoma (RB1). Also called: RETINOBLASTOMA, SOMATIC. Identifiers: Orphanet 790, MedGen C0035335, MeSH D012175, MONDO:0008380, OMIM 180200, HP:0009919. Disease mechanism: loss of function. Inheritance: Both sporadic and heritable forms are tested..

Submissions (2):

Ambry Genetics
Classification: Uncertain significance for Hereditary cancer-predisposing syndrome. Last evaluated: 2025-05-07. Review status: criteria provided, single submitter. Criteria: Ambry Variant Classification Scheme 2023. Collection method: clinical testing. Allele origin: germline.
Comment: The p.L303P variant (also known as c.908T>C), located in coding exon 9 of the RB1 gene, results from a T to C substitution at nucleotide position 908. The leucine at codon 303 is replaced by proline, an amino acid with similar properties. This amino acid position is well conserved in available vertebrate species. In addition, this alteration is predicted to be deleterious by in silico analysis. Based on the available evidence, the clinical significance of this variant remains unclear.

Labcorp Genetics (formerly Invitae), Labcorp
Classification: Uncertain significance for Retinoblastoma. Last evaluated: 2024-05-29. Review status: criteria provided, single submitter. Criteria: Invitae Variant Classification Sherloc (09022015). Collection method: clinical testing. Allele origin: germline.
Comment: This sequence change replaces leucine, which is neutral and non-polar, with proline, which is neutral and non-polar, at codon 303 of the RB1 protein (p.Leu303Pro). This variant is not present in population databases (gnomAD no frequency). This variant has not been reported in the literature in individuals affected with RB1-related conditions. ClinVar contains an entry for this variant (Variation ID: 948714). Advanced modeling of protein sequence and biophysical properties (such as structural, functional, and spatial information, amino acid conservation, physicochemical variation, residue mobility, and thermodynamic stability) performed at Invitae indicates that this missense variant is not expected to disrupt RB1 protein function with a negative predictive value of 80%. In summary, the available evidence is currently insufficient to determine the role of this variant in disease. Therefore, it has been classified as a Variant of Uncertain Significance.

NM_000321.3(RB1):c.908T>C (p.Leu303Pro)

Gene: RB1 (RB transcriptional corepressor 1; plus strand). Cytogenetic location: 13q14.2.
Variant type: single nucleotide variant.
Coding change: c.908T>C on transcript NM_000321.3 (MANE Select); coding-DNA position 908, T replaced by C.
Protein change: p.Leu303Pro; replaces leucine 303 with proline.
Molecular consequence: missense variant.
Genome position (GRCh38, 1-based): chr13:48,364,940, T>C. VCF-style: chr13-48364940-T-C. GRCh37 (hg19) VCF-style: chr13-48939076-T-C.
Other names: short protein forms L303P.
Identifiers: ClinVar variation 948714 (VCV000948714.10), dbSNP rs900955797, ClinGen allele CA249275372.